The following is an entry in ClinVar:

NM_000219.6(KCNE1):c.27G>A (p.Val9=)

Gene: KCNE1 (potassium voltage-gated channel subfamily E regulatory subunit 1; minus strand). Cytogenetic location: 21q22.12.
Variant type: single nucleotide variant.
Coding change: c.27G>A on transcript NM_000219.6 (MANE Select); coding-DNA position 27, G replaced by A.
Protein change: p.Val9=; no amino-acid change (valine 9 retained).
Molecular consequence: synonymous variant.
Genome position (GRCh38, 1-based): chr21:34,449,608, C>T on the plus strand (G>A on the coding strand, the complement: KCNE1 is on the minus strand). VCF-style: chr21-34449608-C-T. GRCh37 (hg19) VCF-style: chr21-35821906-C-T.
Other names: c.27G>A, p.Val9= (NM_001127668.4, NM_001127669.4, NM_001127670.4 and 4 more transcripts).
Identifiers: ClinVar variation 3374491 (VCV003374491.2).

Conditions:
Long QT syndrome 5 (LQT5). Identifiers: Orphanet 101016, Orphanet 768, MedGen C1867904, MONDO:0013372, OMIM 613695.

Submission:

Roden Lab, Vanderbilt University Medical Center
No classification provided (evidence only). Condition: Long QT syndrome 5. Review status: no classification provided. Collection method: in vitro. Allele origin: not applicable. Functional consequence: Effect on ion channel function.
ClinVar note: "not provided" was previously submitted as the classification for the variant. However, the classification appeared to be based only on an observation of functional data so it was converted to no classification on 2025-07-30.